The following is an entry in ClinVar:

NM_002529.4(NTRK1):c.1114G>A (p.Ala372Thr)

Gene: NTRK1 (neurotrophic receptor tyrosine kinase 1; plus strand). Cytogenetic location: 1q23.1.
Variant type: single nucleotide variant.
Coding change: c.1114G>A on transcript NM_002529.4 (MANE Select); coding-DNA position 1114, G replaced by A.
Protein change: p.Ala372Thr; replaces alanine 372 with threonine.
Molecular consequence: missense variant.
Genome position (GRCh38, 1-based): chr1:156,873,896, G>A. VCF-style: chr1-156873896-G-A. GRCh37 (hg19) VCF-style: chr1-156843688-G-A.
Other names: c.1024G>A, p.Ala342Thr (NM_001007792.1); c.1114G>A, p.Ala372Thr (NM_001012331.2); short protein forms A372T, A342T.
Identifiers: ClinVar variation 567753 (VCV000567753.4), dbSNP rs754611476, ClinGen allele CA1169191.

ClinVar aggregate classification (germline): Uncertain significance. Review status: criteria provided, single submitter (1 of 4 stars). 2 submissions from 2 submitters: Uncertain significance (1). 1 of the submissions does not count toward it. Last evaluated 2022-07-15.

Conditions:
Hereditary insensitivity to pain with anhidrosis (CIPA). Also called: INSENSITIVITY TO PAIN, CONGENITAL, WITH ANHIDROSIS; FAMILIAL DYSAUTONOMIA, TYPE II; NEUROPATHY, CONGENITAL SENSORY, WITH ANHIDROSIS; HSAN Type IV; hereditary sensory and autonomic neuropathy type 4; NTRK1 Congenital Insensitivity to Pain with Anhidrosis. Identifiers: Orphanet 642, MedGen C0020074, MONDO:0009746, OMIM 256800.

Allele frequency attached by ClinVar (database versions not stated): ExAC below 0.00001; TOPMed 0.00001.
gnomAD v4.1: 66 of 1,577,302 alleles (0.0042%); highest among the groups gnomAD compares: Non-Finnish European, 0.0054%; no homozygotes.

Submissions (2):

Labcorp Genetics (formerly Invitae), Labcorp
Classification: Uncertain significance for Hereditary insensitivity to pain with anhidrosis. Last evaluated: 2022-07-15. Review status: criteria provided, single submitter. Criteria: Invitae Variant Classification Sherloc (09022015). Collection method: clinical testing. Allele origin: germline.
Comment: This sequence change replaces alanine, which is neutral and non-polar, with threonine, which is neutral and polar, at codon 372 of the NTRK1 protein (p.Ala372Thr). This variant is present in population databases (rs754611476, gnomAD 0.007%). This variant has not been reported in the literature in individuals affected with NTRK1-related conditions. ClinVar contains an entry for this variant (Variation ID: 567753). Advanced modeling of protein sequence and biophysical properties (such as structural, functional, and spatial information, amino acid conservation, physicochemical variation, residue mobility, and thermodynamic stability) performed at Invitae indicates that this missense variant is not expected to disrupt NTRK1 protein function. In summary, the available evidence is currently insufficient to determine the role of this variant in disease. Therefore, it has been classified as a Variant of Uncertain Significance.

Natera, Inc.
Classification: Uncertain significance for Hereditary insensitivity to pain with anhidrosis. Last evaluated: 2020-09-16. Review status: no assertion criteria provided. Collection method: clinical testing. Allele origin: germline. Not counted in ClinVar's aggregate classification.